The following is an entry in ClinVar:

ClinVar aggregate classification (germline): Pathogenic (1 of 4 stars; one submission).

Conditions:
Epidermolysis bullosa. Identifiers: MedGen C0014527, MeSH D004820, MONDO:0006541.

Submission:

Mendelics
Classification: Pathogenic for Epidermolysis bullosa. Last evaluated: 2026-03-05. Review status: criteria provided, single submitter. Criteria: ACMG Guidelines, 2015. Collection method: clinical testing. Allele origin: unknown.
Comment: Likely pathogenic/Pathogenic according to ACMG criteria.

NM_000094.4(COL7A1):c.6125C>T (p.Pro2042Leu)

Gene: COL7A1 (collagen type VII alpha 1 chain; minus strand). Cytogenetic location: 3p21.31.
Variant type: single nucleotide variant.
Coding change: c.6125C>T on transcript NM_000094.4 (MANE Select); coding-DNA position 6125, C replaced by T.
Protein change: p.Pro2042Leu; replaces proline 2042 with leucine.
Molecular consequence: missense variant.
Genome position (GRCh38, 1-based): chr3:48,575,394, G>A on the plus strand (C>T on the coding strand, the complement: COL7A1 is on the minus strand). VCF-style: chr3-48575394-G-A. GRCh37 (hg19) VCF-style: chr3-48612827-G-A.
Other names: short protein forms P2042L.
Identifiers: ClinVar variation 4813609 (VCV004813609.1).